The following is an entry in ClinVar:

ClinVar aggregate classification (germline): Benign/Likely benign. Review status: criteria provided, multiple submitters, no conflicts (2 of 4 stars). 3 submissions from 3 submitters: Benign (1); Likely benign (2). Last evaluated 2026-01-17.

Allele frequency attached by ClinVar (database versions not stated): ESP Exome Variant Server 0.00008; TOPMed 0.00045; gnomAD exomes 0.00048 and 0.00121; gnomAD 0.00068 and 0.00082; ExAC 0.00121; 1000 Genomes Project 30x 0.00187; 1000 Genomes Project 0.00200.
gnomAD v4.1: 833 of 1,614,106 alleles (0.052%); highest among the groups gnomAD compares: East Asian, 0.72%; 3 homozygotes.

Submissions (3):

Labcorp Genetics (formerly Invitae), Labcorp
Classification: Benign. Last evaluated: 2026-01-17. Review status: criteria provided, single submitter. Criteria: Invitae Variant Classification Sherloc (09022015). Collection method: clinical testing. Allele origin: germline.

Blueprint Genetics
Classification: Likely benign. Last evaluated: 2024-10-23. Review status: criteria provided, single submitter. Criteria: ACMG Guidelines, 2015. Collection method: clinical testing. Allele origin: germline.

GeneDx
Classification: Likely benign. Last evaluated: 2024-09-24. Review status: criteria provided, single submitter. Criteria: GeneDx Variant Classification Process June 2021. Collection method: clinical testing. Allele origin: germline. Affected: yes.
Comment: See Variant Classification Assertion Criteria.

NM_018444.4(PDP1):c.909C>T (p.Gly303=)

Gene: PDP1 (pyruvate dehydrogenase phosphatase catalytic subunit 1; plus strand). Cytogenetic location: 8q22.1.
Variant type: single nucleotide variant.
Coding change: c.909C>T on transcript NM_018444.4 (MANE Select); coding-DNA position 909, C replaced by T.
Protein change: p.Gly303=; no amino-acid change (glycine 303 retained).
Molecular consequence: synonymous variant.
Genome position (GRCh38, 1-based): chr8:93,922,968, C>T. VCF-style: chr8-93922968-C-T. GRCh37 (hg19) VCF-style: chr8-94935196-C-T.
Other names: c.984C>T, p.Gly328= (NM_001161779.2, NM_001161780.2); c.909C>T, p.Gly303= (NM_001161781.2).
Identifiers: ClinVar variation 732239 (VCV000732239.12), dbSNP rs146222349, ClinGen allele CA4808757.